The following is an entry in ClinVar:

ClinVar aggregate classification (germline): Uncertain significance (1 of 4 stars; one submission).

Conditions:
Propionic acidemia (PROP). Also called: GLYCINEMIA, KETOTIC; HYPERGLYCINEMIA WITH KETOACIDOSIS AND LEUKOPENIA; KETOTIC HYPERGLYCINEMIA. Identifiers: Orphanet 35, MedGen C0268579, MONDO:0011628, OMIM 606054, HP:0003571.

Submission:

Labcorp Genetics (formerly Invitae), Labcorp
Classification: Uncertain significance for Propionic acidemia. Last evaluated: 2025-02-20. Review status: criteria provided, single submitter. Criteria: Invitae Variant Classification Sherloc (09022015). Collection method: clinical testing. Allele origin: germline.
Comment: This sequence change replaces glutamic acid, which is acidic and polar, with glycine, which is neutral and non-polar, at codon 328 of the PCCB protein (p.Glu328Gly). This variant is not present in population databases (gnomAD no frequency). This variant has not been reported in the literature in individuals affected with PCCB-related conditions. Invitae Evidence Modeling of protein sequence and biophysical properties (such as structural, functional, and spatial information, amino acid conservation, physicochemical variation, residue mobility, and thermodynamic stability) has been performed for this missense variant. However, the output from this modeling did not meet the statistical confidence thresholds required to predict the impact of this variant on PCCB protein function. In summary, the available evidence is currently insufficient to determine the role of this variant in disease. Therefore, it has been classified as a Variant of Uncertain Significance.

NM_000532.5(PCCB):c.983A>G (p.Glu328Gly)

Gene: PCCB (propionyl-CoA carboxylase subunit beta; plus strand). Cytogenetic location: 3q22.3.
Variant type: single nucleotide variant.
Coding change: c.983A>G on transcript NM_000532.5 (MANE Select); coding-DNA position 983, A replaced by G.
Protein change: p.Glu328Gly; replaces glutamic acid 328 with glycine.
Molecular consequence: missense variant.
Genome position (GRCh38, 1-based): chr3:136,316,957, A>G. VCF-style: chr3-136316957-A-G. GRCh37 (hg19) VCF-style: chr3-136035799-A-G.
Other names: c.1043A>G, p.Glu348Gly (NM_001178014.2); short protein forms E328G, E348G.
Identifiers: ClinVar variation 4805037 (VCV004805037.1).